The following is an entry in ClinVar:

NM_182961.4(SYNE1):c.427C>T (p.Pro143Ser)

Gene: SYNE1 (spectrin repeat containing nuclear envelope protein 1; minus strand). Cytogenetic location: 6q25.2.
Variant type: single nucleotide variant.
Coding change: c.427C>T on transcript NM_182961.4 (MANE Select); coding-DNA position 427, C replaced by T.
Protein change: p.Pro143Ser; replaces proline 143 with serine.
Molecular consequence: missense variant.
Genome position (GRCh38, 1-based): chr6:152,510,347, G>A on the plus strand (C>T on the coding strand, the complement: SYNE1 is on the minus strand). VCF-style: chr6-152510347-G-A. GRCh37 (hg19) VCF-style: chr6-152831482-G-A.
Other names: c.448C>T, p.Pro150Ser (NM_033071.5); short protein forms P143S, P150S.
Identifiers: ClinVar variation 4682305 (VCV004682305.1).

ClinVar aggregate classification (germline): Uncertain significance (1 of 4 stars; one submission).

gnomAD v4.1: 1 of 1,613,912 alleles (0.000062%); highest among the groups gnomAD compares: Non-Finnish European, 0.000085%; no homozygotes.

Submission:

Athena Diagnostics
Classification: Uncertain significance. Last evaluated: 2025-08-22. Review status: criteria provided, single submitter. Criteria: Athena Diagnostics Criteria. Collection method: clinical testing. Allele origin: unknown.
Comment: Available data are insufficient to determine the clinical significance of the variant at this time. This variant has not been reported in large, multi-ethnic general populations. Computational tools yielded inconclusive predictions regarding the effect of this variant on RNA splicing. Polyphen and MutationTaster yielded discordant predictions regarding whether this amino acid change is damaging to the protein.